The following is an entry in ClinVar:

NM_152743.4(BRAT1):c.2224A>C (p.Ser742Arg)

Gene: BRAT1 (BRCA1 associated ATM activator 1; minus strand). Cytogenetic location: 7p22.3.
Variant type: single nucleotide variant.
Coding change: c.2224A>C on transcript NM_152743.4 (MANE Select); coding-DNA position 2224, A replaced by C.
Protein change: p.Ser742Arg; replaces serine 742 with arginine.
Molecular consequence: missense variant. On other transcripts: non-coding transcript variant (1).
Genome position (GRCh38, 1-based): chr7:2,538,311, T>G on the plus strand (A>C on the coding strand, the complement: BRAT1 is on the minus strand). VCF-style: chr7-2538311-T-G. GRCh37 (hg19) VCF-style: chr7-2577945-T-G.
Other names: c.2404A>C, p.Ser802Arg (NM_001350626.2); c.1699A>C, p.Ser567Arg (NM_001350627.2); short protein forms S567R, S742R, S802R.
Identifiers: ClinVar variation 1916688 (VCV001916688.2), dbSNP rs975996696, ClinGen allele CA152664428.

ClinVar aggregate classification (germline): Uncertain significance (1 of 4 stars; one submission).

Conditions:
Neonatal-onset encephalopathy with rigidity and seizures. Also called: Lethal neonatal spasticity-epileptic encephalopathy syndrome. Identifiers: Orphanet 435845, MedGen C3281029, MONDO:0013784, OMIM 614498.

Allele frequency attached by ClinVar (database versions not stated): gnomAD 0.00001; TOPMed 0.00001; gnomAD exomes 0.00004.
gnomAD v4.1: 56 of 1,612,814 alleles (0.0035%); highest among the groups gnomAD compares: Non-Finnish European, 0.0047%; 1 homozygote.

Submission:

Labcorp Genetics (formerly Invitae), Labcorp
Classification: Uncertain significance for Neonatal-onset encephalopathy with rigidity and seizures. Last evaluated: 2022-05-25. Review status: criteria provided, single submitter. Criteria: Invitae Variant Classification Sherloc (09022015). Collection method: clinical testing. Allele origin: germline.
Comment: This sequence change replaces serine, which is neutral and polar, with arginine, which is basic and polar, at codon 742 of the BRAT1 protein (p.Ser742Arg). This variant is present in population databases (no rsID available, gnomAD 0.005%). This variant has not been reported in the literature in individuals affected with BRAT1-related conditions. Algorithms developed to predict the effect of missense changes on protein structure and function (SIFT, PolyPhen-2, Align-GVGD) all suggest that this variant is likely to be tolerated. In summary, the available evidence is currently insufficient to determine the role of this variant in disease. Therefore, it has been classified as a Variant of Uncertain Significance.